The following is an entry in ClinVar:

NM_000435.3(NOTCH3):c.4231G>T (p.Gly1411Cys)

Genes: NOTCH3 (notch receptor 3; minus strand), LOC130063807 (ATAC-STARR-seq lymphoblastoid silent region 10267; plus strand). Cytogenetic location: 19p13.12.
Variant type: single nucleotide variant.
Coding change: c.4231G>T on transcript NM_000435.3 (MANE Select); coding-DNA position 4231, G replaced by T.
Protein change: p.Gly1411Cys; replaces glycine 1411 with cysteine.
Molecular consequence: missense variant.
Genome position (GRCh38, 1-based): chr19:15,177,697, C>A on the plus strand (G>T on the coding strand, the complement: NOTCH3 is on the minus strand). VCF-style: chr19-15177697-C-A. GRCh37 (hg19) VCF-style: chr19-15288508-C-A.
Other names: short protein forms G1411C.
Identifiers: ClinVar variation 3899103 (VCV003899103.1).

ClinVar aggregate classification (germline): Uncertain significance (1 of 4 stars; one submission).

gnomAD v4.1: 1 of 1,540,090 alleles (0.000065%); highest among the groups gnomAD compares: Non-Finnish European, 0.000087%; no homozygotes.

Submission:

GeneDx
Classification: Uncertain significance. Last evaluated: 2024-11-09. Review status: criteria provided, single submitter. Criteria: GeneDx Variant Classification Process June 2021. Collection method: clinical testing. Allele origin: germline. Affected: yes.
Comment: Not observed at significant frequency in large population cohorts (gnomAD); In silico analysis supports that this missense variant has a deleterious effect on protein structure/function; Has not been previously published as pathogenic or benign to our knowledge; This variant is associated with the following publications: (PMID: 24844136)